The following is an entry in ClinVar:

ClinVar aggregate classification (germline): Uncertain significance (1 of 4 stars; one submission).

gnomAD v4.1: 1 of 1,546,982 alleles (0.000065%); highest among the groups gnomAD compares: Admixed American, 0.002%; no homozygotes.

Submission:

GeneDx
Classification: Uncertain significance. Last evaluated: 2025-10-16. Review status: criteria provided, single submitter. Criteria: GeneDx Variant Classification Process June 2021. Collection method: clinical testing. Allele origin: germline. Affected: yes.
Comment: Has not been previously published as pathogenic or benign to our knowledge; Nonsense variant in a gene for which loss-of-function is a known mechanism of disease; however, a downstream in-frame Methionine residue could serve as an alternate initiator codon which, if utilized, may result in a functional protein; Not observed at significant frequency in large population cohorts (gnomAD)

NM_001007553.3(CSDE1):c.1-1749C>G

Gene: CSDE1 (cold shock domain containing E1; minus strand). Cytogenetic location: 1p13.2.
Variant type: single nucleotide variant.
Coding change: c.1-1749C>G on transcript NM_001007553.3 (MANE Select); 1749 bases into the intron before coding-DNA position 1, C replaced by G.
Molecular consequence: intron variant. On other transcripts: nonsense (2).
Genome position (GRCh38, 1-based): chr1:114,741,639, G>C on the plus strand (C>G on the coding strand, the complement: CSDE1 is on the minus strand). VCF-style: chr1-114741639-G-C. GRCh37 (hg19) VCF-style: chr1-115284260-G-C.
Other names: c.26C>G, p.Ser9Ter (NM_001130523.3, NM_001242891.2); c.1-1749C>G (NM_001242893.2, NM_001242892.2, NM_007158.6); short protein forms S9*.
Identifiers: ClinVar variation 1329621 (VCV001329621.4), dbSNP rs2101061767, ClinGen allele CA341760770.